The following is an entry in ClinVar:

NM_052867.4(NALCN):c.5080A>C (p.Thr1694Pro)

Genes: NALCN (sodium leak channel, non-selective; minus strand), NALCN-AS1 (NALCN antisense RNA 1; plus strand). Cytogenetic location: 13q32.3.
Variant type: single nucleotide variant.
Coding change: c.5080A>C on transcript NM_052867.4 (MANE Select); coding-DNA position 5080, A replaced by C.
Protein change: p.Thr1694Pro; replaces threonine 1694 with proline.
Molecular consequence: missense variant. On other transcripts: non-coding transcript variant (1).
Genome position (GRCh38, 1-based): chr13:101,055,432, T>G on the plus strand (A>C on the coding strand, the complement: NALCN is on the minus strand). VCF-style: chr13-101055432-T-G. GRCh37 (hg19) VCF-style: chr13-101707784-T-G.
Other names: c.5167A>C, p.Thr1723Pro (NM_001350748.2); c.5080A>C, p.Thr1694Pro (NM_001350749.2); c.4993A>C, p.Thr1665Pro (NM_001350750.2, NM_001350751.2); short protein forms T1665P, T1723P, T1694P.
Identifiers: ClinVar variation 2012568 (VCV002012568.5), dbSNP rs1432535505, ClinGen allele CA388643139.

ClinVar aggregate classification (germline): Uncertain significance. Review status: criteria provided, multiple submitters, no conflicts (2 of 4 stars). 2 submissions from 2 submitters: Uncertain significance (2). Last evaluated 2025-02-18.

Allele frequency attached by ClinVar (database versions not stated): TOPMed below 0.00001; gnomAD 0.00001.
gnomAD v4.1: 9 of 1,614,032 alleles (0.00056%); highest among the groups gnomAD compares: Non-Finnish European, 0.00076%; no homozygotes.

Submissions (2):

Women's Health and Genetics/Laboratory Corporation of America, LabCorp
Classification: Uncertain significance. Last evaluated: 2025-02-18. Review status: criteria provided, single submitter. Criteria: LabCorp Variant Classification Summary - May 2015. Collection method: clinical testing. Allele origin: germline.
Comment: Variant summary: NALCN c.5080A>C (p.Thr1694Pro) results in a non-conservative amino acid change in the encoded protein sequence. Three of five in-silico tools predict a damaging effect of the variant on protein function. The variant was absent in 251452 control chromosomes (gnomAD). The available data on variant occurrences in the general population are insufficient to allow any conclusion about variant significance. To our knowledge, no occurrence of c.5080A>C in individuals affected with Congenital Contractures Of The Limbs And Face, Hypotonia, And Developmental Delay and no experimental evidence demonstrating its impact on protein function have been reported. ClinVar contains an entry for this variant (Variation ID: 2012568). Based on the evidence outlined above, the variant was classified as uncertain significance.

Labcorp Genetics (formerly Invitae), Labcorp
Classification: Uncertain significance. Last evaluated: 2022-06-30. Review status: criteria provided, single submitter. Criteria: Invitae Variant Classification Sherloc (09022015). Collection method: clinical testing. Allele origin: germline.
Comment: This sequence change replaces threonine, which is neutral and polar, with proline, which is neutral and non-polar, at codon 1694 of the NALCN protein (p.Thr1694Pro). In summary, the available evidence is currently insufficient to determine the role of this variant in disease. Therefore, it has been classified as a Variant of Uncertain Significance. Advanced modeling of protein sequence and biophysical properties (such as structural, functional, and spatial information, amino acid conservation, physicochemical variation, residue mobility, and thermodynamic stability) performed at Invitae indicates that this missense variant is not expected to disrupt NALCN protein function. This variant has not been reported in the literature in individuals affected with NALCN-related conditions. This variant is not present in population databases (gnomAD no frequency).